The following is an entry in ClinVar:

ClinVar aggregate classification (germline): Uncertain significance. Review status: criteria provided, multiple submitters, no conflicts (2 of 4 stars). 2 submissions from 2 submitters: Uncertain significance (2). Last evaluated 2024-06-15.

Conditions:
Inborn genetic diseases. Identifiers: MedGen C0950123, MeSH D030342.
Pseudohypoaldosteronism type 2C (PHA2C). Also called: Pseudohypoaldosteronism Type IIC. Identifiers: Orphanet 757, Orphanet 88940, MedGen C1840391, MONDO:0013778, OMIM 614492.
Neuropathy, hereditary sensory and autonomic, type 2A (HSAN2A). Also called: ACROOSTEOLYSIS, GIACCAI TYPE; ACROOSTEOLYSIS, NEUROGENIC; MORVAN DISEASE; NEUROPATHY, CONGENITAL SENSORY; NEUROPATHY, HEREDITARY SENSORY RADICULAR, AUTOSOMAL RECESSIVE; HSAN IIA. Identifiers: Orphanet 970, MedGen C2752089, MONDO:0024309, OMIM 201300.

Submissions (2):

Labcorp Genetics (formerly Invitae), Labcorp
Classification: Uncertain significance for Neuropathy, hereditary sensory and autonomic, type 2A; Pseudohypoaldosteronism type 2C. Last evaluated: 2024-06-15. Review status: criteria provided, single submitter. Criteria: Invitae Variant Classification Sherloc (09022015). Collection method: clinical testing. Allele origin: germline.
Comment: This sequence change creates a premature translational stop signal (p.Pro738Glnfs*102) in the WNK1 gene. However, it is currently unclear if variants that occur in this region of the gene cause disease. This variant is present in population databases (no rsID available, gnomAD 0.003%). This variant has not been reported in the literature in individuals affected with WNK1-related conditions. ClinVar contains an entry for this variant (Variation ID: 1787798). In summary, the available evidence is currently insufficient to determine the role of this variant in disease. Therefore, it has been classified as a Variant of Uncertain Significance.

Ambry Genetics
Classification: Uncertain significance for Inborn genetic diseases. Last evaluated: 2021-12-16. Review status: criteria provided, single submitter. Criteria: Ambry Variant Classification Scheme 2023. Collection method: clinical testing. Allele origin: germline.
Comment: The c.2213delC variant, located in coding exon 9 of the WNK1 gene, results from a deletion of one nucleotide at nucleotide position 2213, causing a translational frameshift with a predicted alternate stop codon (p.P738Qfs*102). This region of the WNK1 gene is excluded from other biologically relevant WNK1 transcripts. In addition, loss of function alterations in this region of the WNK1 gene are more common in population databases than expected for likely pathogenic/disease-causing variants. Since supporting evidence is limited at this time, the clinical significance of this alteration remains unclear.

NM_213655.5(WNK1):c.2213del (p.Pro738fs)

Gene: WNK1 (WNK lysine deficient protein kinase 1; plus strand). Cytogenetic location: 12p13.33.
Variant type: Deletion.
Coding change: c.2213del on transcript NM_213655.5 (MANE Plus Clinical); coding-DNA position 2213, one base deleted (C; older notation c.2213delC).
Protein change: p.Pro738fs; shifts the reading frame from proline 738.
Molecular consequence: frameshift variant. On other transcripts: intron variant (3).
Genome position (GRCh38, 1-based): chr12:865,183, C deleted; the last of 3 consecutive C bases (chr12:865,181-865,183); deleting any one gives the same sequence. VCF-style (leftmost placement, unchanged base first): chr12-865180-TC-T. GRCh37 (hg19) VCF-style: chr12-974346-TC-T.
Other names: c.2140-2683del (NM_001184985.2); c.2139+2913del (NM_018979.4, NM_014823.3); short protein forms P738fs.
Identifiers: ClinVar variation 1787798 (VCV001787798.6), dbSNP rs1413368281, ClinGen allele CA603036562.